The following is an entry in ClinVar:

ClinVar aggregate classification (germline): Uncertain significance (1 of 4 stars; one submission).

Conditions:
Hereditary cancer-predisposing syndrome. Also called: Tumor predisposition; Neoplastic Syndromes, Hereditary; Hereditary Cancer Syndrome; Hereditary neoplastic syndrome. Identifiers: Orphanet 140162, MedGen C0027672, MeSH D009386, MONDO:0015356.

Submission:

Ambry Genetics
Classification: Uncertain significance for Hereditary cancer-predisposing syndrome. Last evaluated: 2021-05-03. Review status: criteria provided, single submitter. Criteria: Ambry Variant Classification Scheme 2023. Collection method: clinical testing. Allele origin: germline.
Comment: The p.W1069C variant (also known as c.3207G>T), located in coding exon 20 of the RET gene, results from a G to T substitution at nucleotide position 3207. The tryptophan at codon 1069 is replaced by cysteine, an amino acid with highly dissimilar properties. This amino acid position is highly conserved in available vertebrate species. In addition, this alteration is predicted to be deleterious by in silico analysis. Since supporting evidence is limited at this time, the clinical significance of this alteration remains unclear.

NM_020975.6(RET):c.3207G>T (p.Trp1069Cys)

Gene: RET (ret proto-oncogene; plus strand). Cytogenetic location: 10q11.21.
Variant type: single nucleotide variant.
Coding change: c.3207G>T on transcript NM_020975.6 (MANE Select); coding-DNA position 3207, G replaced by T.
Protein change: p.Trp1069Cys; replaces tryptophan 1069 with cysteine.
Molecular consequence: missense variant.
Genome position (GRCh38, 1-based): chr10:43,128,131, G>T. VCF-style: chr10-43128131-G-T. GRCh37 (hg19) VCF-style: chr10-43623579-G-T.
Other names: c.3207G>T, p.Trp1069Cys (NM_000323.2, NM_001406743.1); c.*1377G>T (NM_001355216.2, NM_001406764.1, NM_001406765.1 and 15 more transcripts); c.3147G>T, p.Trp1049Cys (NM_001406759.1, NM_001406760.1); c.3078G>T, p.Trp1026Cys (NM_001406761.1, NM_001406762.1); c.3072G>T, p.Trp1024Cys (NM_001406763.1); c.2919G>T, p.Trp973Cys (NM_001406766.1, NM_001406767.1); c.2811G>T, p.Trp937Cys (NM_001406769.1); c.2769G>T, p.Trp923Cys (NM_001406771.1); and 7 more; short protein forms W1024C, W1026C, W1069C, W586C, W674C, W727C, W807C, W937C.
Identifiers: ClinVar variation 1728879 (VCV001728879.2), dbSNP rs2538660799, ClinGen allele CA376558844.